The following is an entry in ClinVar:

ClinVar aggregate classification (germline): Uncertain significance (1 of 4 stars; one submission).

gnomAD v4.1: 3 of 1,614,160 alleles (0.00019%); highest among the groups gnomAD compares: Non-Finnish European, 0.00017%; no homozygotes.

Submission:

Labcorp Genetics (formerly Invitae), Labcorp
Classification: Uncertain significance. Last evaluated: 2025-10-29. Review status: criteria provided, single submitter. Criteria: Invitae Variant Classification Sherloc (09022015). Collection method: clinical testing. Allele origin: germline.
Comment: This sequence change replaces arginine, which is basic and polar, with cysteine, which is neutral and slightly polar, at codon 656 of the FERMT1 protein (p.Arg656Cys). This variant is not present in population databases (gnomAD no frequency). This variant has not been reported in the literature in individuals affected with FERMT1-related conditions. Invitae Evidence Modeling of protein sequence and biophysical properties (such as structural, functional, and spatial information, amino acid conservation, physicochemical variation, residue mobility, and thermodynamic stability) indicates that this missense variant is expected to disrupt FERMT1 protein function with a positive predictive value of 80%. In summary, the available evidence is currently insufficient to determine the role of this variant in disease. Therefore, it has been classified as a Variant of Uncertain Significance.

NM_017671.5(FERMT1):c.1966C>T (p.Arg656Cys)

Gene: FERMT1 (FERM domain containing kindlin 1; minus strand). Cytogenetic location: 20p12.3.
Variant type: single nucleotide variant.
Coding change: c.1966C>T on transcript NM_017671.5 (MANE Select); coding-DNA position 1966, C replaced by T.
Protein change: p.Arg656Cys; replaces arginine 656 with cysteine.
Molecular consequence: missense variant.
Genome position (GRCh38, 1-based): chr20:6,077,241, G>A on the plus strand (C>T on the coding strand, the complement: FERMT1 is on the minus strand). VCF-style: chr20-6077241-G-A. GRCh37 (hg19) VCF-style: chr20-6057888-G-A.
Other names: short protein forms R656C.
Identifiers: ClinVar variation 4777026 (VCV004777026.1).